The following is an entry in ClinVar:

NM_145239.3(PRRT2):c.841T>C (p.Trp281Arg)

Genes: MVP-DT (MVP divergent transcript; minus strand), PRRT2 (proline rich transmembrane protein 2; plus strand). Cytogenetic location: 16p11.2.
Variant type: single nucleotide variant.
Coding change: c.841T>C on transcript NM_145239.3 (MANE Select); coding-DNA position 841, T replaced by C.
Protein change: p.Trp281Arg; replaces tryptophan 281 with arginine.
Molecular consequence: missense variant.
Genome position (GRCh38, 1-based): chr16:29,813,895, T>C. VCF-style: chr16-29813895-T-C. GRCh37 (hg19) VCF-style: chr16-29825216-T-C.
Other names: c.841T>C, p.Trp281Arg (NM_001256442.2, NM_001256443.2); short protein forms W281R.
Identifiers: ClinVar variation 571487 (VCV000571487.10), dbSNP rs1567380135, ClinGen allele CA395480065.

ClinVar aggregate classification (germline): Likely pathogenic (1 of 4 stars; one submission).

Conditions:
Episodic kinesigenic dyskinesia (EKD). Also called: Paroxysmal kinesigenic dyskinesia. Identifiers: Orphanet 98809, MedGen C1868682, MONDO:0044202.

Submission:

Labcorp Genetics (formerly Invitae), Labcorp
Classification: Likely pathogenic for Episodic kinesigenic dyskinesia. Last evaluated: 2025-10-01. Review status: criteria provided, single submitter. Criteria: Invitae Variant Classification Sherloc (09022015). Collection method: clinical testing. Allele origin: germline.
Comment: This sequence change replaces tryptophan, which is neutral and slightly polar, with arginine, which is basic and polar, at codon 281 of the PRRT2 protein (p.Trp281Arg). This variant is not present in population databases (gnomAD no frequency). This missense change has been observed in individuals with PRRT2-related conditions (PMID: 22131361, 26867511; internal data). It has also been observed to segregate with disease in related individuals. ClinVar contains an entry for this variant (Variation ID: 571487). Invitae Evidence Modeling of protein sequence and biophysical properties (such as structural, functional, and spatial information, amino acid conservation, physicochemical variation, residue mobility, and thermodynamic stability) has been performed for this missense variant. However, the output from this modeling did not meet the statistical confidence thresholds required to predict the impact of this variant on PRRT2 protein function. Experimental studies have shown that this missense change affects PRRT2 function (PMID: 30980674, 31124310). This variant disrupts the p.Trp281 amino acid residue in PRRT2. Other variant(s) that disrupt this residue have been observed in individuals with PRRT2-related conditions (PMID: 33126500), which suggests that this may be a clinically significant amino acid residue. In summary, the currently available evidence indicates that the variant is pathogenic, but additional data are needed to prove that conclusively. Therefore, this variant has been classified as Likely Pathogenic.

Literature cited by the submitters: PubMed 22131361; PubMed 26867511; PubMed 30980674; PubMed 31124310; PubMed 33126500.